The following is an entry in ClinVar:

ClinVar aggregate classification (germline): Conflicting classifications of pathogenicity. Review status: criteria provided, conflicting classifications (1 of 4 stars). 4 submissions from 4 submitters: Uncertain significance (3); Likely benign (1). Last evaluated 2025-10-30.

Conditions:
Renal cell carcinoma. Identifiers: Orphanet 217071, MedGen C0007134, MeSH D002292, MONDO:0005086, HP:0005584.
Hereditary cancer-predisposing syndrome. Also called: Tumor predisposition; Hereditary Cancer Syndrome; Neoplastic Syndromes, Hereditary; Hereditary neoplastic syndrome. Identifiers: Orphanet 140162, MedGen C0027672, MeSH D009386, MONDO:0015356.

Allele frequency attached by ClinVar (database versions not stated): TOPMed 0.00001; gnomAD 0.00002 and 0.00003; gnomAD exomes 0.00002 and 0.00005; ExAC 0.00006; 1000 Genomes Project 30x 0.00016; 1000 Genomes Project 0.00020.
gnomAD v4.1: 29 of 1,613,966 alleles (0.0018%); highest among the groups gnomAD compares: Admixed American, 0.0017%; no homozygotes.

Submissions (4):

Labcorp Genetics (formerly Invitae), Labcorp
Classification: Uncertain significance for Renal cell carcinoma. Last evaluated: 2025-10-30. Review status: criteria provided, single submitter. Criteria: Invitae Variant Classification Sherloc (09022015). Collection method: clinical testing. Allele origin: germline.
Comment: This sequence change replaces arginine, which is basic and polar, with histidine, which is basic and polar, at codon 461 of the MET protein (p.Arg461His). This variant is present in population databases (rs544274181, gnomAD 0.02%). This variant has not been reported in the literature in individuals affected with MET-related conditions. ClinVar contains an entry for this variant (Variation ID: 485744). Invitae Evidence Modeling of protein sequence and biophysical properties (such as structural, functional, and spatial information, amino acid conservation, physicochemical variation, residue mobility, and thermodynamic stability) indicates that this missense variant is not expected to disrupt MET protein function with a negative predictive value of 80%. In summary, the available evidence is currently insufficient to determine the role of this variant in disease. Therefore, it has been classified as a Variant of Uncertain Significance.

Blueprint Genetics
Classification: Uncertain significance. Last evaluated: 2023-10-25. Review status: criteria provided, single submitter. Criteria: ACMG Guidelines, 2015. Collection method: clinical testing. Allele origin: germline.

Ambry Genetics
Classification: Likely benign for Hereditary cancer-predisposing syndrome. Last evaluated: 2022-10-17. Review status: criteria provided, single submitter. Criteria: Ambry Variant Classification Scheme 2023. Collection method: clinical testing. Allele origin: germline.

GeneDx
Classification: Uncertain significance. Last evaluated: 2020-10-26. Review status: criteria provided, single submitter. Criteria: GeneDx Variant Classification Process June 2021. Collection method: clinical testing. Allele origin: germline. Affected: yes.
Comment: In silico analysis supports that this missense variant has a deleterious effect on protein structure/function; Has not been previously published as pathogenic or benign to our knowledge

NM_000245.4(MET):c.1382G>A (p.Arg461His)

Gene: MET (MET proto-oncogene, receptor tyrosine kinase; plus strand). Cytogenetic location: 7q31.2.
Variant type: single nucleotide variant.
Coding change: c.1382G>A on transcript NM_000245.4 (MANE Select); coding-DNA position 1382, G replaced by A.
Protein change: p.Arg461His; replaces arginine 461 with histidine.
Molecular consequence: missense variant.
Genome position (GRCh38, 1-based): chr7:116,731,849, G>A. VCF-style: chr7-116731849-G-A. GRCh37 (hg19) VCF-style: chr7-116371903-G-A.
Other names: c.1382G>A, p.Arg461His (NM_001127500.3, NM_001324401.3); c.92G>A, p.Arg31His (NM_001324402.2); short protein forms R461H, R31H.
Identifiers: ClinVar variation 485744 (VCV000485744.18), dbSNP rs544274181, ClinGen allele CA4448141.